The following is an entry in ClinVar:

NM_001374675.1(HSF4):c.392G>A (p.Trp131Ter)

Gene: HSF4 (heat shock transcription factor 4; plus strand). Cytogenetic location: 16q22.1.
Variant type: single nucleotide variant.
Coding change: c.392G>A on transcript NM_001374675.1 (MANE Select); coding-DNA position 392, G replaced by A.
Protein change: p.Trp131Ter; replaces tryptophan 131 with a stop codon.
Molecular consequence: nonsense.
Genome position (GRCh38, 1-based): chr16:67,165,977, G>A. VCF-style: chr16-67165977-G-A. GRCh37 (hg19) VCF-style: chr16-67199880-G-A.
Other names: c.392G>A, p.Trp131Ter (NM_001040667.3, NM_001538.4, NM_001374674.1); short protein forms W131*.
Identifiers: ClinVar variation 1333484 (VCV001333484.1), dbSNP rs2145920428, ClinGen allele CA396265122.

ClinVar aggregate classification (germline): Pathogenic (1 of 4 stars; one submission).

Conditions:
Cataract 5 multiple types (CTRCT5). Also called: CATARACT, MARNER TYPE; CATARACT 5, LAMELLAR; Lamellar cataract. Identifiers: Orphanet 91492, MedGen C0266537, MONDO:0007290, OMIM 116800, HP:0007971.

Submission:

3billion
Classification: Pathogenic for Cataract 5 multiple types. Last evaluated: 2022-01-03. Review status: criteria provided, single submitter. Criteria: ACMG Guidelines, 2015. Collection method: clinical testing. Allele origin: germline. Affected: yes. Observed: 1 homozygote.
Comment: Stop-gained (nonsense): predicted to result in a loss or disruption of normal protein function through nonsense-mediated decay (NMD) or protein truncation. Multiple pathogenic variants are reported downstream of the variant (PVS1_VS). It is not observed in the gnomAD v2.1.1 dataset (PM2_M). Patient’s phenotype is considered compatible with HSF4-related disorder (PP4_P). Therefore, this variant is classified as pathogenic according to the recommendation of ACMG/AMP guideline.